The following is an entry in ClinVar:

ClinVar aggregate classification (germline): Uncertain significance (1 of 4 stars; one submission).

Conditions:
Mucopolysaccharidosis, MPS-III-D (MPS3D). Also called: MPS IIID (Sanfilippo Syndrome Type D); MUCOPOLYSACCHARIDOSIS, TYPE IIID; N-ACETYLGLUCOSAMINE-6-SULFATASE DEFICIENCY; SANFILIPPO SYNDROME D; MPS III D; Mucopoly-saccharidosis type 3D. Identifiers: Orphanet 581, Orphanet 79272, MedGen C0086650, MONDO:0009658, OMIM 252940.

Submission:

Labcorp Genetics (formerly Invitae), Labcorp
Classification: Uncertain significance for Mucopolysaccharidosis, MPS-III-D. Last evaluated: 2022-07-26. Review status: criteria provided, single submitter. Criteria: Invitae Variant Classification Sherloc (09022015). Collection method: clinical testing. Allele origin: germline.
Comment: This sequence change affects an acceptor splice site in intron 13 of the GNS gene. While this variant is not anticipated to result in nonsense mediated decay, it likely alters RNA splicing and results in a disrupted protein product. This variant is not present in population databases (gnomAD no frequency). This variant has not been reported in the literature in individuals affected with GNS-related conditions. ClinVar contains an entry for this variant (Variation ID: 1024560). Variants that disrupt the consensus splice site are a relatively common cause of aberrant splicing (PMID: 17576681, 9536098). Algorithms developed to predict the effect of sequence changes on RNA splicing suggest that this variant may disrupt the consensus splice site. In summary, the available evidence is currently insufficient to determine the role of this variant in disease. Therefore, it has been classified as a Variant of Uncertain Significance.

Literature cited by the submitters: PubMed 17576681; PubMed 9536098.

NM_002076.4(GNS):c.1581-1G>A

Gene: GNS (glucosamine (N-acetyl)-6-sulfatase; minus strand). Cytogenetic location: 12q14.3.
Variant type: single nucleotide variant.
Coding change: c.1581-1G>A on transcript NM_002076.4 (MANE Select); the canonical splice acceptor site of the intron before coding-DNA position 1581, G replaced by A.
Molecular consequence: splice acceptor variant.
Genome position (GRCh38, 1-based): chr12:64,716,820, C>T on the plus strand (G>A on the coding strand, the complement: GNS is on the minus strand). VCF-style: chr12-64716820-C-T. GRCh37 (hg19) VCF-style: chr12-65110600-C-T.
Identifiers: ClinVar variation 1024560 (VCV001024560.2), dbSNP rs1868873740, ClinGen allele CA385600002.